The following is an entry in ClinVar:

ClinVar aggregate classification (germline): Conflicting classifications of pathogenicity. Review status: criteria provided, conflicting classifications (1 of 4 stars). 3 submissions from 3 submitters: Uncertain significance (2); Likely benign (1). Last evaluated 2024-03-06.

Conditions:
Cardiovascular phenotype. Identifiers: MedGen CN230736.
Arrhythmogenic cardiomyopathy with wooly hair and keratoderma. Also called: PALMOPLANTAR KERATODERMA WITH LEFT VENTRICULAR CARDIOMYOPATHY AND WOOLLY HAIR; Carvajal syndrome; Dilated cardiomyopathy with woolly hair and keratoderma; Arrhythmogenic cardiomyopathy with woolly hair and keratoderma. Identifiers: Orphanet 65282, MedGen C1854063, MONDO:0011581, OMIM 605676.
Arrhythmogenic right ventricular dysplasia 8 (ARVD8). Also called: ARRHYTHMOGENIC RIGHT VENTRICULAR DYSPLASIA, FAMILIAL, 8; ARRHYTHMOGENIC RIGHT VENTRICULAR CARDIOMYOPATHY 8; Arrhythmogenic Right Ventricular Dysplasia/Cardiomyopathy 8. Identifiers: MedGen C1843896, MONDO:0011831, OMIM 607450.
Cardiomyopathy (CMYO). Also called: Cardiomyopathies. Identifiers: Orphanet 167848, MedGen C0878544, MONDO:0004994, HP:0001638. Inheritance: Various modes of inheritance.

Allele frequency attached by ClinVar (database versions not stated): gnomAD exomes below 0.00001; ExAC 0.00001.
gnomAD v4.1: 4 of 1,614,154 alleles (0.00025%); highest among the groups gnomAD compares: South Asian, 0.0033%; no homozygotes.

Submissions (3):

Color Diagnostics, LLC DBA Color Health
Classification: Uncertain significance for Cardiomyopathy. Last evaluated: 2024-03-06. Review status: criteria provided, single submitter. Criteria: ACMG Guidelines, 2015. Collection method: clinical testing. Allele origin: germline.
Comment: This missense variant replaces lysine with arginine at codon 1474 of the DSP protein. Computational prediction suggests that this variant may not impact protein structure and function (internally defined REVEL score threshold <= 0.5, PMID: 27666373). Splice site prediction tools suggest that this variant may not impact RNA splicing. To our knowledge, functional studies have not been performed for this variant. This variant has not been reported in individuals affected with cardiovascular disorders in the literature. This variant has been identified in 1/250786 chromosomes in the general population by the Genome Aggregation Database (gnomAD). The available evidence is insufficient to determine the role of this variant in disease conclusively. Therefore, this variant is classified as a Variant of Uncertain Significance.

Labcorp Genetics (formerly Invitae), Labcorp
Classification: Likely benign for Arrhythmogenic cardiomyopathy with wooly hair and keratoderma; Arrhythmogenic right ventricular dysplasia 8. Last evaluated: 2023-03-13. Review status: criteria provided, single submitter. Criteria: Invitae Variant Classification Sherloc (09022015). Collection method: clinical testing. Allele origin: germline.

Ambry Genetics
Classification: Uncertain significance for Cardiovascular phenotype. Last evaluated: 2022-07-29. Review status: criteria provided, single submitter. Criteria: Ambry Variant Classification Scheme 2023. Collection method: clinical testing. Allele origin: germline.
Comment: The p.K1474R variant (also known as c.4421A>G), located in coding exon 23 of the DSP gene, results from an A to G substitution at nucleotide position 4421. The lysine at codon 1474 is replaced by arginine, an amino acid with highly similar properties. This amino acid position is conserved. In addition, this alteration is predicted to be tolerated by in silico analysis. Since supporting evidence is limited at this time, the clinical significance of this alteration remains unclear.

NM_004415.4(DSP):c.4421A>G (p.Lys1474Arg)

Gene: DSP (desmoplakin; plus strand). Cytogenetic location: 6p24.3.
Variant type: single nucleotide variant.
Coding change: c.4421A>G on transcript NM_004415.4 (MANE Select); coding-DNA position 4421, A replaced by G.
Protein change: p.Lys1474Arg; replaces lysine 1474 with arginine.
Molecular consequence: missense variant. On other transcripts: intron variant (2).
Genome position (GRCh38, 1-based): chr6:7,580,611, A>G. VCF-style: chr6-7580611-A-G. GRCh37 (hg19) VCF-style: chr6-7580844-A-G.
Other names: c.4421A>G (LRG_423t1); c.4050+371A>G (NM_001319034.2); c.3582+839A>G (NM_001008844.3); short protein forms K1474R.
Identifiers: ClinVar variation 629578 (VCV000629578.10), dbSNP rs756456881, ClinGen allele CA041457.
Genomic context (GRCh38, chr6:7,580,611, plus strand): 5'-TCACTCAGATGCGAACAGAGGAGAGCGTAAGATATAAGCAATCTCTTGATGATGCTGCCA[A>G]AACCATCCAGGATAAAAACAAGGAGATAGAAAGGTTAAAACAACTGATCGACAAAGAAAC-3'
Protein context (NP_004406.2, residues 1464-1484): RYKQSLDDAA[Lys1474Arg]TIQDKNKEIE